The following is an entry in ClinVar:

ClinVar aggregate classification (germline): Uncertain significance (1 of 4 stars; one submission).

Conditions:
Perrault syndrome. Also called: Gonadal dysgenesis with auditory dysfunction, autosomal recessive inheritance. Identifiers: Orphanet 2855, MedGen C0685838, MONDO:0017312.
Bifunctional peroxisomal enzyme deficiency (DBIF). Also called: D-bifunctional protein deficiency; DBP DEFICIENCY; PBFE DEFICIENCY. Identifiers: Orphanet 300, MedGen C0342870, MONDO:0009855, OMIM 261515. Disease mechanism: loss of function.

Submission:

Labcorp Genetics (formerly Invitae), Labcorp
Classification: Uncertain significance for Perrault syndrome; Bifunctional peroxisomal enzyme deficiency. Last evaluated: 2022-08-01. Review status: criteria provided, single submitter. Criteria: Invitae Variant Classification Sherloc (09022015). Collection method: clinical testing. Allele origin: germline.
Comment: This sequence change replaces glycine, which is neutral and non-polar, with arginine, which is basic and polar, at codon 671 of the HSD17B4 protein (p.Gly671Arg). This variant is not present in population databases (gnomAD no frequency). This variant has not been reported in the literature in individuals affected with HSD17B4-related conditions. Algorithms developed to predict the effect of missense changes on protein structure and function are either unavailable or do not agree on the potential impact of this missense change (SIFT: "Deleterious"; PolyPhen-2: "Possibly Damaging"; Align-GVGD: "Class C0"). In summary, the available evidence is currently insufficient to determine the role of this variant in disease. Therefore, it has been classified as a Variant of Uncertain Significance.

NM_000414.4(HSD17B4):c.2011G>C (p.Gly671Arg)

Gene: HSD17B4 (hydroxysteroid 17-beta dehydrogenase 4; plus strand). Cytogenetic location: 5q23.1.
Variant type: single nucleotide variant.
Coding change: c.2011G>C on transcript NM_000414.4 (MANE Select); coding-DNA position 2011, G replaced by C.
Protein change: p.Gly671Arg; replaces glycine 671 with arginine.
Molecular consequence: missense variant. On other transcripts: non-coding transcript variant (2).
Genome position (GRCh38, 1-based): chr5:119,536,440, G>C. VCF-style: chr5-119536440-G-C. GRCh37 (hg19) VCF-style: chr5-118872135-G-C.
Other names: c.2086G>C, p.Gly696Arg (NM_001199291.3); c.1957G>C, p.Gly653Arg (NM_001199292.2); c.1939G>C, p.Gly647Arg (NM_001292027.2, NM_001374498.1); c.1591G>C, p.Gly531Arg (NM_001292028.2); c.2002G>C, p.Gly668Arg (NM_001374497.1); c.1684G>C, p.Gly562Arg (NM_001374499.1); c.1570G>C, p.Gly524Arg (NM_001374500.1); c.1600G>C, p.Gly534Arg (NM_001374501.1, NM_001374502.1, NM_001374503.1); short protein forms G524R, G531R, G562R, G668R, G647R, G671R, G534R, G653R.
Identifiers: ClinVar variation 2070435 (VCV002070435.4), dbSNP rs2531983034, ClinGen allele CA360871942.